The following is an entry in ClinVar:

ClinVar aggregate classification (germline): Likely pathogenic (1 of 4 stars; one submission).

Submission:

Quest Diagnostics Nichols Institute San Juan Capistrano
Classification: Likely pathogenic. Last evaluated: 2023-03-18. Review status: criteria provided, single submitter. Criteria: ACMG/ClinGen CNV Guidelines, 2019. Collection method: clinical testing. Allele origin: unknown.
Comment: This copy number gain of 16p13.11p12.3 involves multiple protein-coding genes. It confers susceptibility to a range of neurodevelopmental disorders, and an increased risk for cardiovascular disease has been noted (Allach El Khattabi et al., J Med Genet. 2018 Oct 4. Pii: jmedgenet-2018-105389. PMID: 30287593). The clinical significance of this recurrent duplication has been debated, because similar duplications are repeatedly observed in uncharacterized controls and in unaffected relatives (Ullmann R et al., Hum Mutat. 2007 Jul;28(7):674-82.PMID: 17480035; Hannes FD et al., J Med Genet. 2009 Apr;46(4):223-32. PMID: 18550696). However, the duplication is enriched patients versus controls in multiple case-control studies (Coe et al., Nat Genet. 2014 Oct;46(10):1063-71., PMID: 25217958; Girirajan et al., N Engl J Med. 2012 Oct 4;367(14):1321-31., PMID: 22970919), with some exceptions (Kaminsky et al., Genet Med. 2011 Sep;13(9):777-84., PMID: 21844811). Thus, the clinical significance of this copy number variant (CNV) is likely pathogenic, with variable expressivity and incomplete penetrance.

GRCh37/hg19 16p13.11-12.3(chr16:15509592-16873547)x3

Genes: ABCC1 (ATP binding cassette subfamily C member 1 (ABCC1 blood group); plus strand), ABCC6 (ATP binding cassette subfamily C member 6; minus strand), BMERB1 (bMERB domain containing 1; plus strand), CEP20 (centrosomal protein 20; minus strand), MARF1 (meiosis regulator and mRNA stability factor 1; minus strand) and 3 more. Cytogenetic location: 16p13.11-12.3.
Variant type: copy number gain.
Change: copy number 3 (three copies instead of two) of chr16:15,509,592-16,873,547 (1.36 Mb, GRCh37 coordinates, 1-based), cytogenetic band 16p13.11-12.3.
Identifiers: ClinVar variation 2684795 (VCV002684795.1).